The following is an entry in ClinVar:

ClinVar aggregate classification (germline): Uncertain significance (1 of 4 stars; one submission).

Submission:

Labcorp Genetics (formerly Invitae), Labcorp
Classification: Uncertain significance. Last evaluated: 2025-07-08. Review status: criteria provided, single submitter. Criteria: Invitae Variant Classification Sherloc (09022015). Collection method: clinical testing. Allele origin: germline.
Comment: This variant, c.507_509del, results in the deletion of 1 amino acid(s) of the NTHL1 protein (p.Ala170del), but otherwise preserves the integrity of the reading frame. This variant is not present in population databases (gnomAD no frequency). This variant has not been reported in the literature in individuals affected with NTHL1-related conditions. Experimental studies and prediction algorithms are not available or were not evaluated, and the functional significance of this variant is currently unknown. In summary, the available evidence is currently insufficient to determine the role of this variant in disease. Therefore, it has been classified as a Variant of Uncertain Significance.

NM_002528.7(NTHL1):c.483_485del (p.Ala162del)

Gene: NTHL1 (nth like DNA glycosylase 1; minus strand). Cytogenetic location: 16p13.3.
Variant type: Deletion.
Coding change: c.483_485del on transcript NM_002528.7 (MANE Select); coding-DNA positions 483 to 485, 3 bases deleted (TGC; older notation c.483_485delTGC).
Protein change: p.Ala162del; deletes alanine 162.
Molecular consequence: inframe deletion. On other transcripts: intron variant (1).
Genome position (GRCh38, 1-based): chr16:2,044,670-2,044,672, GCA deleted on the plus strand (TGC on the coding strand, the reverse complement: NTHL1 is on the minus strand). VCF-style (leftmost placement, unchanged base first): chr16-2044669-GGCA-G. GRCh37 (hg19) VCF-style: chr16-2094670-GGCA-G.
Other names: c.153_155del, p.Ala52del (NM_001318194.2); c.355-946_355-944del (NM_001318193.2); short protein forms A52del, A162del.
Identifiers: ClinVar variation 4722833 (VCV004722833.1).